The following is an entry in ClinVar:

NM_003959.3(HIP1R):c.2184C>T (p.Cys728=)

Gene: HIP1R (huntingtin interacting protein 1 related; plus strand). Cytogenetic location: 12q24.31.
Variant type: single nucleotide variant.
Coding change: c.2184C>T on transcript NM_003959.3 (MANE Select); coding-DNA position 2184, C replaced by T.
Protein change: p.Cys728=; no amino-acid change (cysteine 728 retained).
Molecular consequence: synonymous variant.
Genome position (GRCh38, 1-based): chr12:122,859,086, C>T. VCF-style: chr12-122859086-C-T. GRCh37 (hg19) VCF-style: chr12-123343633-C-T.
Identifiers: ClinVar variation 5041274 (VCV005041274.1).

ClinVar aggregate classification (germline): Likely benign (1 of 4 stars; one submission).

gnomAD v4.1: 43 of 1,602,790 alleles (0.0027%); highest among the groups gnomAD compares: Non-Finnish European, 0.0031%; no homozygotes.

Submission:

CeGaT Center for Human Genetics Tuebingen
Classification: Likely benign. Last evaluated: 2026-09-01. Review status: criteria provided, single submitter. Criteria: CeGaT Center For Human Genetics Tuebingen Variant Classification Criteria Version 2. Collection method: clinical testing. Allele origin: germline. Affected: yes. Observed: 1 variant allele.
Comment: HIP1R: BP4, BP7